The following is an entry in ClinVar:

NM_000257.4(MYH7):c.1139-13C>T

Gene: MYH7 (myosin heavy chain 7; minus strand). Cytogenetic location: 14q11.2.
Variant type: single nucleotide variant.
Coding change: c.1139-13C>T on transcript NM_000257.4 (MANE Select); 13 bases into the intron before coding-DNA position 1139, C replaced by T.
Molecular consequence: intron variant.
Genome position (GRCh38, 1-based): chr14:23,429,360, G>A on the plus strand (C>T on the coding strand, the complement: MYH7 is on the minus strand). VCF-style: chr14-23429360-G-A. GRCh37 (hg19) VCF-style: chr14-23898569-G-A.
Other names: c.1139-13C>T (LRG_384t1).
Identifiers: ClinVar variation 392813 (VCV000392813.2), dbSNP rs1057524644, ClinGen allele CA16606956.
Genomic context (GRCh38, chr14:23,429,360, plus strand): 5'-GCAGGTCGGCTGAGTTCAGCCCCATGAGGTAGGCAGACTTGTCAGCCTCTGGAAGGAAAA[G>A]GCAAGTAGCAAAGTTGGTAAAGAGATGACTGCTGGCCAGGTGTGGTGGTTCATGCCTGTA-3'

ClinVar aggregate classification (germline): Likely benign. Review status: criteria provided, multiple submitters, no conflicts (2 of 4 stars). 2 submissions from 2 submitters: Likely benign (2). Last evaluated 2023-04-10.

Conditions:
Cardiomyopathy (CMYO). Also called: Cardiomyopathies. Identifiers: Orphanet 167848, MedGen C0878544, MONDO:0004994, HP:0001638. Inheritance: Various modes of inheritance.

Allele frequency attached by ClinVar (database versions not stated): TOPMed below 0.00001; gnomAD 0.00001.
gnomAD v4.1: 1 of 1,609,970 alleles (0.000062%); highest among the groups gnomAD compares: Non-Finnish European, 0.000085%; no homozygotes.

Submissions (2):

All of Us Research Program, National Institutes of Health
Classification: Likely benign for Cardiomyopathy. Last evaluated: 2023-04-10. Review status: criteria provided, single submitter. Criteria: ACMG Guidelines, 2015. Collection method: clinical testing. Allele origin: germline. Inheritance: Autosomal dominant inheritance. Observed: 1 variant allele, 1 heterozygote.
Comment: This study involves interpretation of variants in research participants for the purpose of population health screening. Participant phenotype was not available at the time of variant classification. Additional details can be found in publication PMID: 35346344, PMCID: PMC8962531

GeneDx
Classification: Likely benign. Last evaluated: 2017-01-17. Review status: criteria provided, single submitter. Criteria: GeneDx Variant Classification (06012015). Collection method: clinical testing. Allele origin: germline. Affected: yes.
Comment: This variant is considered likely benign or benign based on one or more of the following criteria: it is a conservative change, it occurs at a poorly conserved position in the protein, it is predicted to be benign by multiple in silico algorithms, and/or has population frequency not consistent with disease.